The following is an entry in ClinVar:

NM_016356.5(DCDC2):c.125C>T (p.Ser42Phe)

Genes: DCDC2 (doublecortin domain containing 2; minus strand), KAAG1 (kidney associated DCDC2 antisense RNA 1; plus strand). Cytogenetic location: 6p22.3.
Variant type: single nucleotide variant.
Coding change: c.125C>T on transcript NM_016356.5 (MANE Select); coding-DNA position 125, C replaced by T.
Protein change: p.Ser42Phe; replaces serine 42 with phenylalanine.
Molecular consequence: missense variant. On other transcripts: non-coding transcript variant (1).
Genome position (GRCh38, 1-based): chr6:24,357,626, G>A on the plus strand (C>T on the coding strand, the complement: DCDC2 is on the minus strand). VCF-style: chr6-24357626-G-A. GRCh37 (hg19) VCF-style: chr6-24357854-G-A.
Other names: c.125C>T, p.Ser42Phe (NM_001195610.2); short protein forms S42F.
Identifiers: ClinVar variation 1919363 (VCV001919363.5), dbSNP rs2532474728, ClinGen allele CA363279114.
Genomic context (GRCh38, chr6:24,357,626, plus strand): 5'-ACGGCCCCAAAGGGTGCCTGAACGCCGCCGGTCACCTCCTTCAGGAAGACTTCGAAGCTG[G>A]ACACCTTCTTCTCATGGATGACGACGCGGCGCCCCGCGTAGAAGGGGTCCCCGTTGCGGT-3'
Protein context (NP_057440.2, residues 32-52): RRVVIHEKKV[Ser42Phe]SFEVFLKEVT

ClinVar aggregate classification (germline): Uncertain significance (1 of 4 stars; one submission).

Conditions:
Autosomal recessive nonsyndromic hearing loss 66 (DFNB66). Also called: Deafness, autosomal recessive 66. Identifiers: Orphanet 90636, MedGen C1857750, MONDO:0012442, OMIM 610212.
Isolated neonatal sclerosing cholangitis (NSC). Also called: Sclerosing cholangitis, neonatal. Identifiers: Orphanet 480556, MedGen C4479344, MONDO:0018816, OMIM 617394.

Submission:

Labcorp Genetics (formerly Invitae), Labcorp
Classification: Uncertain significance for Autosomal recessive nonsyndromic hearing loss 66; Isolated neonatal sclerosing cholangitis. Last evaluated: 2022-05-12. Review status: criteria provided, single submitter. Criteria: Invitae Variant Classification Sherloc (09022015). Collection method: clinical testing. Allele origin: germline.
Comment: Algorithms developed to predict the effect of missense changes on protein structure and function are either unavailable or do not agree on the potential impact of this missense change (SIFT: "Deleterious"; PolyPhen-2: "Possibly Damaging"; Align-GVGD: "Class C0"). This variant has not been reported in the literature in individuals affected with DCDC2-related conditions. This variant is not present in population databases (gnomAD no frequency). This sequence change replaces serine, which is neutral and polar, with phenylalanine, which is neutral and non-polar, at codon 42 of the DCDC2 protein (p.Ser42Phe). In summary, the available evidence is currently insufficient to determine the role of this variant in disease. Therefore, it has been classified as a Variant of Uncertain Significance.